The following is an entry in ClinVar:

ClinVar aggregate classification (germline): Uncertain significance (1 of 4 stars; one submission).

Submission:

Ambry Genetics
Classification: Uncertain significance. Last evaluated: 2025-05-31. Review status: criteria provided, single submitter. Criteria: Ambry Variant Classification Scheme 2023. Collection method: clinical testing. Allele origin: germline.
Comment: The p.T1072P variant (also known as c.3214A>C), located in coding exon 28 of the KIF1B gene, results from an A to C substitution at nucleotide position 3214. The threonine at codon 1072 is replaced by proline, an amino acid with highly similar properties. This amino acid position is conserved. In addition, this alteration is predicted to be deleterious by in silico analysis. Based on the available evidence, the clinical significance of this variant remains unclear.

NM_001365951.3(KIF1B):c.3352A>C (p.Thr1118Pro)

Gene: KIF1B (kinesin family member 1B; plus strand). Cytogenetic location: 1p36.22.
Variant type: single nucleotide variant.
Coding change: c.3352A>C on transcript NM_001365951.3 (MANE Select); coding-DNA position 3352, A replaced by C.
Protein change: p.Thr1118Pro; replaces threonine 1118 with proline.
Molecular consequence: missense variant.
Genome position (GRCh38, 1-based): chr1:10,337,463, A>C. VCF-style: chr1-10337463-A-C. GRCh37 (hg19) VCF-style: chr1-10397521-A-C.
Other names: c.3352A>C, p.Thr1118Pro (NM_001365952.1); c.3214A>C, p.Thr1072Pro (NM_015074.3); short protein forms T1072P, T1118P.
Identifiers: ClinVar variation 4043156 (VCV004043156.1).